The following is an entry in ClinVar:

NM_001253697.2(ERBIN):c.1021-3del

Gene: ERBIN (erbb2 interacting protein; plus strand). Cytogenetic location: 5q12.3.
Variant type: Deletion.
Coding change: c.1021-3del on transcript NM_001253697.2 (MANE Select); 3 bases into the intron before coding-DNA position 1021, one base deleted (C; older notation c.1021-3delC).
Molecular consequence: intron variant.
Genome position (GRCh38, 1-based): chr5:66,026,299, C deleted. VCF-style (leftmost placement, unchanged base first): chr5-66026298-TC-T. GRCh37 (hg19) VCF-style: chr5-65322126-TC-T.
Other names: c.1021-3del (NM_001253699.2, NM_018695.4, NM_001253698.2 and 2 more transcripts).
Identifiers: ClinVar variation 2997262 (VCV002997262.3), dbSNP rs780927011, ClinGen allele CA3286141.
Genomic context (GRCh38, chr5:66,026,298, plus strand): 5'-TTTTTATATGTTGATCAACCTGTAGGCCAAATTTTTTGATACTCAGTTTATATTTCTCTT[TC>T]AGATTGGAAGCTGGAAAAATATAACTGTGCTGTTTCTCCATTCCAATAAACTTGAGACAC-3'

ClinVar aggregate classification (germline): Uncertain significance (1 of 4 stars; one submission).

Allele frequency attached by ClinVar (database versions not stated): ExAC 0.00001; gnomAD 0.00001; TOPMed 0.00003.

Submission:

Labcorp Genetics (formerly Invitae), Labcorp
Classification: Uncertain significance. Last evaluated: 2025-01-06. Review status: criteria provided, single submitter. Criteria: Invitae Variant Classification Sherloc (09022015). Collection method: clinical testing. Allele origin: germline.
Comment: This sequence change falls in intron 12 of the ERBIN gene. It does not directly change the encoded amino acid sequence of the ERBIN protein. It affects a nucleotide within the consensus splice site. This variant is present in population databases (rs780927011, gnomAD 0.008%). This variant has not been reported in the literature in individuals affected with ERBIN-related conditions. ClinVar contains an entry for this variant (Variation ID: 2997262). Variants that disrupt the consensus splice site are a relatively common cause of aberrant splicing (PMID: 17576681, 9536098). Algorithms developed to predict the effect of sequence changes on RNA splicing suggest that this variant may disrupt the consensus splice site. In summary, the available evidence is currently insufficient to determine the role of this variant in disease. Therefore, it has been classified as a Variant of Uncertain Significance.

Literature cited by the submitters: PubMed 17576681; PubMed 9536098.